The following is an entry in ClinVar:

ClinVar aggregate classification (germline): Uncertain significance (1 of 4 stars; one submission).

Allele frequency attached by ClinVar (database versions not stated): TOPMed below 0.00001.

Submission:

Women's Health and Genetics/Laboratory Corporation of America, LabCorp
Classification: Uncertain significance. Last evaluated: 2023-11-14. Review status: criteria provided, single submitter. Criteria: LabCorp Variant Classification Summary - May 2015. Collection method: clinical testing. Allele origin: germline.
Comment: Variant summary: RFX7 c.35A>G (p.Gln12Arg) results in a conservative amino acid change in the encoded protein sequence. Four of four in-silico tools predict a benign effect of the variant on protein function. The variant was absent in 156036 control chromosomes. To our knowledge, no experimental evidence demonstrating an impact on protein function has been reported. No submitters have cited clinical-significance assessments for this variant to ClinVar after 2014. Based on the evidence outlined above, the variant was classified as VUS-possibly pathogenic.

NM_022841.7(RFX7):c.35A>G (p.Gln12Arg)

Gene: RFX7 (regulatory factor X7; minus strand). Cytogenetic location: 15q21.3.
Variant type: single nucleotide variant.
Coding change: c.35A>G on transcript NM_022841.7 (MANE Select); coding-DNA position 35, A replaced by G.
Protein change: p.Gln12Arg; replaces glutamine 12 with arginine.
Molecular consequence: missense variant. On other transcripts: 5 prime UTR variant (1).
Genome position (GRCh38, 1-based): chr15:56,243,251, T>C on the plus strand (A>G on the coding strand, the complement: RFX7 is on the minus strand). VCF-style: chr15-56243251-T-C. GRCh37 (hg19) VCF-style: chr15-56535449-T-C.
Other names: c.-223A>G (NM_001368073.2); c.35A>G, p.Gln12Arg (NM_001370561.1); short protein forms Q12R.
Identifiers: ClinVar variation 2682518 (VCV002682518.1), dbSNP rs1368745274, ClinGen allele CA490543337.
Genomic context (GRCh38, chr15:56,243,251, plus strand): 5'-GCTGGCAGGGCCACCCCCGAGTTGGGGGCGCTGGGGGGAAGCTGCTGATGGGCATCAGGC[T>C]GCTGTGGTGGCGGCTGTTGTTGTTCCTCTGCCATCGCTGCAGAGGGGTGGGAGGGAGGGA-3'
Protein context (NP_073752.6, residues 2-22): AEEQQQPPPQ[Gln12Arg]PDAHQQLPPS